The following is an entry in ClinVar:

ClinVar aggregate classification (germline): Uncertain significance. Review status: criteria provided, multiple submitters, no conflicts (2 of 4 stars). 3 submissions from 3 submitters: Uncertain significance (3). Last evaluated 2021-07-23.

Conditions:
Hereditary nonpolyposis colorectal neoplasms. Identifiers: MedGen C0009405, MeSH D003123.
Hereditary cancer-predisposing syndrome. Also called: Tumor predisposition; Hereditary Cancer Syndrome; Neoplastic Syndromes, Hereditary; Hereditary neoplastic syndrome. Identifiers: Orphanet 140162, MedGen C0027672, MeSH D009386, MONDO:0015356.

Submissions (3):

Sema4
Classification: Uncertain significance for Hereditary cancer-predisposing syndrome. Last evaluated: 2021-07-23. Review status: criteria provided, single submitter. Criteria: Sema4 Curation Guidelines. Collection method: curation. Allele origin: germline.
Comment: To the best of our knowledge, the MSH6 c.3919A>T (p.N1307Y) variant has not been reported in individuals with Lynch syndrome-related disease. It was not observed in the large and broad cohorts of the Genome Aggregation Database. The variant has been reported in ClinVar (Variation ID 619879). Functional studies have not been performed, and in silico predictions of the variant's effect on protein function are inconclusive. The evidence is insufficient to meet ACMG/AMP criteria for classifying the variant as benign or pathogenic. Thus, the clinical significance of this variant is currently uncertain.

Labcorp Genetics (formerly Invitae), Labcorp
Classification: Uncertain significance for Hereditary nonpolyposis colorectal neoplasms. Last evaluated: 2019-02-12. Review status: criteria provided, single submitter. Criteria: Invitae Variant Classification Sherloc (09022015). Collection method: clinical testing. Allele origin: germline.
Comment: In summary, the available evidence is currently insufficient to determine the role of this variant in disease. Therefore, it has been classified as a Variant of Uncertain Significance. Algorithms developed to predict the effect of missense changes on protein structure and function (SIFT, PolyPhen-2, Align-GVGD) all suggest that this variant is likely to be tolerated, but these predictions have not been confirmed by published functional studies and their clinical significance is uncertain. This variant has not been reported in the literature in individuals with MSH6-related conditions. This variant is not present in population databases (ExAC no frequency). This sequence change replaces asparagine with tyrosine at codon 1307 of the MSH6 protein (p.Asn1307Tyr). The asparagine residue is weakly conserved and there is a large physicochemical difference between asparagine and tyrosine.

Quest Diagnostics Nichols Institute San Juan Capistrano
Classification: Uncertain significance. Last evaluated: 2017-10-16. Review status: criteria provided, single submitter. Criteria: Quest Diagnostics criteria. Collection method: clinical testing. Allele origin: germline.

NM_000179.3(MSH6):c.3919A>T (p.Asn1307Tyr)

Gene: MSH6 (mutS homolog 6; plus strand). Cytogenetic location: 2p16.3.
Variant type: single nucleotide variant.
Coding change: c.3919A>T on transcript NM_000179.3 (MANE Select); coding-DNA position 3919, A replaced by T.
Protein change: p.Asn1307Tyr; replaces asparagine 1307 with tyrosine.
Molecular consequence: missense variant.
Genome position (GRCh38, 1-based): chr2:47,806,569, A>T. VCF-style: chr2-47806569-A-T. GRCh37 (hg19) VCF-style: chr2-48033708-A-T.
Other names: c.3529A>T, p.Asn1177Tyr (NM_001281492.2); c.3013A>T, p.Asn1005Tyr (NM_001281493.2, NM_001281494.2); short protein forms N1307Y, N1005Y, N1177Y.
Identifiers: ClinVar variation 619879 (VCV000619879.13), dbSNP rs730881808, ClinGen allele CA346761456.